The following is an entry in ClinVar:

ClinVar aggregate classification (germline): Benign/Likely benign. Review status: criteria provided, multiple submitters, no conflicts (2 of 4 stars). 2 submissions from 2 submitters: Benign (1); Likely benign (1). Last evaluated 2017-09-12.

Conditions:
MEGF10-related myopathy (CMYO10A). Also called: Congenital myopathy 10A, severe variant. Identifiers: Orphanet 439212, MedGen C3280679, MONDO:0013731, OMIM 614399.

Allele frequency attached by ClinVar (database versions not stated): 1000 Genomes Project 0.00679; 1000 Genomes Project 30x 0.00718; gnomAD 0.00871 and 0.00953; TOPMed 0.00974.

Submissions (2):

GeneDx
Classification: Likely benign. Last evaluated: 2017-09-12. Review status: criteria provided, single submitter. Criteria: GeneDx Variant Classification (06012015). Collection method: clinical testing. Allele origin: germline. Affected: yes.
Comment: This variant is considered likely benign or benign based on one or more of the following criteria: it is a conservative change, it occurs at a poorly conserved position in the protein, it is predicted to be benign by multiple in silico algorithms, and/or has population frequency not consistent with disease.

Illumina Laboratory Services, Illumina
Classification: Benign for MEGF10-related myopathy. Last evaluated: 2017-04-27. Review status: criteria provided, single submitter. Criteria: ICSL Variant Classification Criteria 13 December 2019. Collection method: clinical testing. Allele origin: germline.
Comment: This variant was observed as part of a predisposition screen in an ostensibly healthy population. A literature search was performed for the gene, cDNA change, and amino acid change (where applicable). No publications were found based on this search. Allele frequency data from public databases was too high to be consistent with this variant causing disease. Therefore, this variant is classified as benign.

NM_001256545.2(MEGF10):c.-19+8943A>G

Gene: MEGF10 (multiple EGF like domains 10; plus strand). Cytogenetic location: 5q23.2.
Variant type: single nucleotide variant.
Coding change: c.-19+8943A>G on transcript NM_001256545.2 (MANE Select); 8943 bases into the intron after 19 bases upstream of the start codon, A replaced by G.
Molecular consequence: intron variant. On other transcripts: 5 prime UTR variant (2).
Genome position (GRCh38, 1-based): chr5:127,299,999, A>G. VCF-style: chr5-127299999-A-G. GRCh37 (hg19) VCF-style: chr5-126635691-A-G.
Other names: c.-66A>G (NM_001308119.2, NM_032446.3); c.-19+8943A>G (NM_001308121.2).
Identifiers: ClinVar variation 385504 (VCV000385504.5), dbSNP rs79967765, ClinGen allele CA16604774.